The following is an entry in ClinVar:

NM_025081.3(NYNRIN):c.3861C>T (p.Pro1287=)

Gene: NYNRIN (NYN domain and retroviral integrase containing; plus strand). Cytogenetic location: 14q12.
Variant type: single nucleotide variant.
Coding change: c.3861C>T on transcript NM_025081.3 (MANE Select); coding-DNA position 3861, C replaced by T.
Protein change: p.Pro1287=; no amino-acid change (proline 1287 retained).
Molecular consequence: synonymous variant.
Genome position (GRCh38, 1-based): chr14:24,415,610, C>T. VCF-style: chr14-24415610-C-T. GRCh37 (hg19) VCF-style: chr14-24884816-C-T.
Identifiers: ClinVar variation 2644142 (VCV002644142.24), dbSNP rs566510965, ClinGen allele CA7137324.
Genomic context (GRCh38, chr14:24,415,610, plus strand): 5'-GAGGGCCCTGGAATTGGCCCTCCTCCAGGGCCTGCTGGGGGAGAACCGCCTGCTCACCCC[C>T]GCGGCCTCCATGCCTCGCTTCTTCCAGGTTCTGCCGCCTTTCTCTGACCTGTCCACGTTC-3'
Protein context (NP_079357.2, residues 1277-1297): GLLGENRLLT[Pro1287=]AASMPRFFQV

ClinVar aggregate classification (germline): Likely benign (1 of 4 stars; one submission).

Allele frequency attached by ClinVar (database versions not stated): gnomAD 0.00011; TOPMed 0.00011; ExAC 0.00019; 1000 Genomes Project 0.00040; 1000 Genomes Project 30x 0.00047.
gnomAD v4.1: 134 of 1,613,988 alleles (0.0083%); highest among the groups gnomAD compares: South Asian, 0.093%; 2 homozygotes.

Submission:

CeGaT Center for Human Genetics Tuebingen
Classification: Likely benign. Last evaluated: 2022-12-01. Review status: criteria provided, single submitter. Criteria: CeGaT Center For Human Genetics Tuebingen Variant Classification Criteria Version 2. Collection method: clinical testing. Allele origin: germline. Affected: yes. Observed: 1 variant allele.
Comment: NYNRIN: BP4, BP7